The following is an entry in ClinVar:

NM_001164508.2(NEB):c.24358del (p.Glu8120fs)

Genes: NEB (nebulin; minus strand), RIF1 (replication timing regulatory factor 1; plus strand). Cytogenetic location: 2q23.3.
Variant type: Deletion.
Coding change: c.24358del on transcript NM_001164508.2 (MANE Select); coding-DNA position 24358, one base deleted (G; older notation c.24358delG).
Protein change: p.Glu8120fs; shifts the reading frame from glutamic acid 8120.
Molecular consequence: frameshift variant. On other transcripts: intron variant (1).
Genome position (GRCh38, 1-based): chr2:151,496,976, C deleted on the plus strand (G on the coding strand, the reverse complement: NEB is on the minus strand); the first of 2 consecutive C bases (chr2:151,496,976-151,496,977); deleting either gives the same sequence. VCF-style (leftmost placement, unchanged base first): chr2-151496975-TC-T. GRCh37 (hg19) VCF-style: chr2-152353489-TC-T.
Other names: c.24358del, p.Glu8120fs (NM_001164507.2); c.24462delG, p.Glu8155Argfs (NM_001271208.1); c.24463del, p.Glu8155fs (NM_001271208.2); c.18826-608del (NM_004543.5); c.24463del (NM_001271208.1); short protein forms E8120fs, E8155fs.
Identifiers: ClinVar variation 2677107 (VCV002677107.5), dbSNP rs2551842527, ClinGen allele CA2695197018.

ClinVar aggregate classification (germline): Pathogenic/Likely pathogenic. Review status: criteria provided, multiple submitters, no conflicts (2 of 4 stars). 3 submissions from 3 submitters: Pathogenic (1); Likely pathogenic (2). Last evaluated 2024-06-05.

Conditions:
Nemaline myopathy 2 (NEM2). Also called: Nemaline myopathy 2, autosomal recessive. Identifiers: MedGen C1850569, MONDO:0009725, OMIM 256030.
Arthrogryposis multiplex congenita 6. Identifiers: MedGen C5543431, MONDO:0030281, OMIM 619334.

Submissions (3):

Fulgent Genetics
Classification: Likely pathogenic for Nemaline myopathy 2; Arthrogryposis multiplex congenita 6. Last evaluated: 2024-06-05. Review status: criteria provided, single submitter. Criteria: ACMG Guidelines, 2015. Collection method: clinical testing. Allele origin: germline.

Baylor Genetics
Classification: Likely pathogenic for Arthrogryposis multiplex congenita 6. Last evaluated: 2023-04-25. Review status: criteria provided, single submitter. Criteria: ACMG Guidelines, 2015. Collection method: clinical testing. Allele origin: unknown.

Labcorp Genetics (formerly Invitae), Labcorp
Classification: Pathogenic for Nemaline myopathy 2. Last evaluated: 2022-11-23. Review status: criteria provided, single submitter. Criteria: Invitae Variant Classification Sherloc (09022015). Collection method: clinical testing. Allele origin: germline.
Comment: This sequence change creates a premature translational stop signal (p.Glu8155Argfs*25) in the NEB gene. It is expected to result in an absent or disrupted protein product. Loss-of-function variants in NEB are known to be pathogenic (PMID: 25205138). This variant is not present in population databases (gnomAD no frequency). This variant has not been reported in the literature in individuals affected with NEB-related conditions. For these reasons, this variant has been classified as Pathogenic.

Literature cited by the submitters: PubMed 25205138 (cited by Labcorp Genetics (formerly Invitae), Labcorp).